The following is an entry in ClinVar:

NM_001018116.2(CAVIN4):c.408+28T>C

Gene: CAVIN4 (caveolae associated protein 4; plus strand). Cytogenetic location: 9q31.1.
Variant type: single nucleotide variant.
Coding change: c.408+28T>C on transcript NM_001018116.2 (MANE Select); 28 bases into the intron after coding-DNA position 408, T replaced by C.
Molecular consequence: intron variant.
Genome position (GRCh38, 1-based): chr9:100,578,579, T>C. VCF-style: chr9-100578579-T-C. GRCh37 (hg19) VCF-style: chr9-103340861-T-C.
Identifiers: ClinVar variation 680133 (VCV000680133.2), dbSNP rs113689675, ClinGen allele CA5160056.

ClinVar aggregate classification (germline): Likely benign. Review status: criteria provided, multiple submitters, no conflicts (2 of 4 stars). 2 submissions from 2 submitters: Likely benign (2). Last evaluated 2018-06-16.

Allele frequency attached by ClinVar (database versions not stated): gnomAD exomes 0.00057 and 0.00135; ExAC 0.00164; 1000 Genomes Project 0.00319; 1000 Genomes Project 30x 0.00328; ESP Exome Variant Server 0.00423; gnomAD 0.00489 and 0.00532; TOPMed 0.00557.
gnomAD v4.1: 1,636 of 1,611,030 alleles (0.1%); highest among the groups gnomAD compares: African/African-American, 1.6%; 11 homozygotes.

Submissions (2):

GeneDx
Classification: Likely benign. Last evaluated: 2018-06-16. Review status: criteria provided, single submitter. Criteria: GeneDx Variant Classification (06012015). Collection method: clinical testing. Allele origin: germline. Affected: yes.
Comment: This variant is considered likely benign or benign based on one or more of the following criteria: it is a conservative change, it occurs at a poorly conserved position in the protein, it is predicted to be benign by multiple in silico algorithms, and/or has population frequency not consistent with disease.

Breakthrough Genomics
Classification: Likely benign. Review status: criteria provided, single submitter. Criteria: ACMG Guidelines, 2015. Collection method: not provided. Allele origin: germline. Inheritance: Unknown mechanism. Affected: yes.